The following is an entry in ClinVar:

NM_001927.4(DES):c.962T>C (p.Met321Thr)

Gene: DES (desmin; plus strand). Cytogenetic location: 2q35.
Variant type: single nucleotide variant.
Coding change: c.962T>C on transcript NM_001927.4 (MANE Select); coding-DNA position 962, T replaced by C.
Protein change: p.Met321Thr; replaces methionine 321 with threonine.
Molecular consequence: missense variant.
Genome position (GRCh38, 1-based): chr2:219,420,892, T>C. VCF-style: chr2-219420892-T-C. GRCh37 (hg19) VCF-style: chr2-220285614-T-C.
Other names: c.962T>C (NM_001927.3); short protein forms M321T.
Identifiers: ClinVar variation 598341 (VCV000598341.14), dbSNP rs760197212, ClinGen allele CA350692847.

ClinVar aggregate classification (germline): Uncertain significance. Review status: criteria provided, multiple submitters, no conflicts (2 of 4 stars). 3 submissions from 3 submitters: Uncertain significance (3). Last evaluated 2026-06-20.

Conditions:
Desmin-related myofibrillar myopathy (MFM1). Also called: Desminopathy; Desmin related myopathy (former name); Desmin storage myopathy (former name); DESMIN-RELATED MYOPATHY WITH ARRHYTHMOGENIC RIGHT VENTRICULAR CARDIOMYOPATHY; MYOFIBRILLAR MYOPATHY WITH ARRHYTHMOGENIC RIGHT VENTRICULAR CARDIOMYOPATHY; Myofibrillar myopathy 1. Identifiers: Orphanet 363543, Orphanet 98909, MedGen C1832370, MONDO:0011076, OMIM 601419.
Cardiovascular phenotype. Identifiers: MedGen CN230736.

gnomAD v4.1: 3 of 1,613,848 alleles (0.00019%); highest among the groups gnomAD compares: Non-Finnish European, 0.00025%; no homozygotes.

Submissions (3):

Ambry Genetics
Classification: Uncertain significance for Cardiovascular phenotype. Last evaluated: 2026-06-20. Review status: criteria provided, single submitter. Criteria: Ambry Variant Classification Scheme 2023. Collection method: clinical testing. Allele origin: germline.
Comment: The p.M321T variant (also known as c.962T>C), located in coding exon 5 of the DES gene, results from a T to C substitution at nucleotide position 962. The methionine at codon 321 is replaced by threonine, an amino acid with similar properties. This amino acid position is conserved. In addition, this alteration is predicted to be tolerated by in silico analysis. Based on the available evidence, the clinical significance of this variant remains unclear.

Labcorp Genetics (formerly Invitae), Labcorp
Classification: Uncertain significance for Desmin-related myofibrillar myopathy. Last evaluated: 2022-08-09. Review status: criteria provided, single submitter. Criteria: Invitae Variant Classification Sherloc (09022015). Collection method: clinical testing. Allele origin: germline.
Comment: This sequence change replaces methionine, which is neutral and non-polar, with threonine, which is neutral and polar, at codon 321 of the DES protein (p.Met321Thr). In summary, the available evidence is currently insufficient to determine the role of this variant in disease. Therefore, it has been classified as a Variant of Uncertain Significance. Algorithms developed to predict the effect of missense changes on protein structure and function (SIFT, PolyPhen-2, Align-GVGD) all suggest that this variant is likely to be tolerated. ClinVar contains an entry for this variant (Variation ID: 598341). This variant has not been reported in the literature in individuals affected with DES-related conditions. This variant is not present in population databases (gnomAD no frequency).

Eurofins Ntd Llc (ga)
Classification: Uncertain significance. Last evaluated: 2018-08-13. Review status: criteria provided, single submitter. Criteria: EGL ClinVar v180209 classification definitions. Collection method: clinical testing. Allele origin: germline. Observed: 1 variant allele, 1 heterozygote.